The following is an entry in ClinVar:

NM_001128840.3(CACNA1D):c.980C>T (p.Thr327Ile)

Gene: CACNA1D (calcium voltage-gated channel subunit alpha1 D; plus strand). Cytogenetic location: 3p21.1.
Variant type: single nucleotide variant.
Coding change: c.980C>T on transcript NM_001128840.3 (MANE Select); coding-DNA position 980, C replaced by T.
Protein change: p.Thr327Ile; replaces threonine 327 with isoleucine.
Molecular consequence: missense variant.
Genome position (GRCh38, 1-based): chr3:53,666,399, C>T. VCF-style: chr3-53666399-C-T. GRCh37 (hg19) VCF-style: chr3-53700426-C-T.
Other names: c.980C>T, p.Thr327Ile (NM_000720.4, NM_001128839.3); c.980C>T (NM_000720.2); short protein forms T327I.
Identifiers: ClinVar variation 1905963 (VCV001905963.6), dbSNP rs1478739062, ClinGen allele CA353383422.

ClinVar aggregate classification (germline): Uncertain significance. Review status: criteria provided, multiple submitters, no conflicts (2 of 4 stars). 2 submissions from 2 submitters: Uncertain significance (2). Last evaluated 2024-10-01.

Conditions:
Inborn genetic diseases. Identifiers: MedGen C0950123, MeSH D030342.

Allele frequency attached by ClinVar (database versions not stated): TOPMed 0.00001.

Submissions (2):

Ambry Genetics
Classification: Uncertain significance for Inborn genetic diseases. Last evaluated: 2024-10-01. Review status: criteria provided, single submitter. Criteria: Ambry Variant Classification Scheme 2023. Collection method: clinical testing. Allele origin: germline.

Labcorp Genetics (formerly Invitae), Labcorp
Classification: Uncertain significance. Last evaluated: 2023-07-29. Review status: criteria provided, single submitter. Criteria: Invitae Variant Classification Sherloc (09022015). Collection method: clinical testing. Allele origin: germline.
Comment: In summary, the available evidence is currently insufficient to determine the role of this variant in disease. Therefore, it has been classified as a Variant of Uncertain Significance. Advanced modeling of protein sequence and biophysical properties (such as structural, functional, and spatial information, amino acid conservation, physicochemical variation, residue mobility, and thermodynamic stability) performed at Invitae indicates that this missense variant is not expected to disrupt CACNA1D protein function. ClinVar contains an entry for this variant (Variation ID: 1905963). This variant has not been reported in the literature in individuals affected with CACNA1D-related conditions. This variant is present in population databases (no rsID available, gnomAD 0.007%). This sequence change replaces threonine, which is neutral and polar, with isoleucine, which is neutral and non-polar, at codon 327 of the CACNA1D protein (p.Thr327Ile).